The following is an entry in ClinVar:

ClinVar aggregate classification (germline): Uncertain significance. Review status: criteria provided, multiple submitters, no conflicts (2 of 4 stars). 9 submissions from 9 submitters: Uncertain significance (8). 1 of the submissions does not count toward it. Last evaluated 2025-10-18.

Conditions:
Hereditary nonpolyposis colorectal neoplasms. Identifiers: MedGen C0009405, MeSH D003123.
Hereditary cancer-predisposing syndrome. Also called: Hereditary neoplastic syndrome; Neoplastic Syndromes, Hereditary; Tumor predisposition; Hereditary Cancer Syndrome. Identifiers: Orphanet 140162, MedGen C0027672, MeSH D009386, MONDO:0015356.
Lynch syndrome. Identifiers: Orphanet 144, MedGen C4552100, MONDO:0005835. Disease mechanism: loss of function.
Lynch syndrome 4 (LYNCH4). Also called: Colorectal cancer, hereditary nonpolyposis, type 4; Hereditary non-polyposis colorectal cancer, type 4. Identifiers: Orphanet 144, MedGen C1838333, MONDO:0013699, OMIM 614337. Disease mechanism: loss of function.
Malignant tumor of breast. Also called: Malignant breast neoplasm; Cancer breast. Identifiers: MedGen C0006142, MONDO:0007254. Disease mechanism: loss of function.

gnomAD v4.1: 1 of 1,612,632 alleles (0.000062%); no homozygotes.

Submissions (9):

Labcorp Genetics (formerly Invitae), Labcorp
Classification: Uncertain significance for Hereditary nonpolyposis colorectal neoplasms. Last evaluated: 2025-10-18. Review status: criteria provided, single submitter. Criteria: Invitae Variant Classification Sherloc (09022015). Collection method: clinical testing. Allele origin: germline.
Comment: This sequence change replaces serine, which is neutral and polar, with leucine, which is neutral and non-polar, at codon 7 of the PMS2 protein (p.Ser7Leu). This variant is not present in population databases (gnomAD no frequency). This variant has not been reported in the literature in individuals affected with PMS2-related conditions. ClinVar contains an entry for this variant (Variation ID: 127772). Invitae Evidence Modeling incorporating data from in vitro experimental studies (internal data) indicates that this missense variant is not expected to disrupt PMS2 function with a negative predictive value of 95%. In summary, the available evidence is currently insufficient to determine the role of this variant in disease. Therefore, it has been classified as a Variant of Uncertain Significance.

Hema, HEMA – Genetic and Molecular Diagnostic Laboratory
Classification: Uncertain significance for Lynch syndrome. Last evaluated: 2025-10-13. Review status: criteria provided, single submitter. Criteria: HEMA Variant Classification Assertion Criteria. Collection method: clinical testing. Allele origin: germline.
Comment: The c.20C>T (p.Ser7Leu) variant is a transition from guanine to adenine, resulting in the substitution of serine 7 with leucine in the PMS2 protein. PM2_Supporting: Present at very low frequency in the gnomAD v4.1.0 database. BP4: Prior probability of pathogenicity score MAPP/PP2 = 0.0028 < 0.11.

Ambry Genetics
Classification: Uncertain significance for Hereditary cancer-predisposing syndrome. Last evaluated: 2025-10-08. Review status: criteria provided, single submitter. Criteria: Ambry Variant Classification Scheme 2023. Collection method: clinical testing. Allele origin: germline.
Comment: The p.S7L variant (also known as c.20C>T), located in coding exon 1 of the PMS2 gene, results from a C to T substitution at nucleotide position 20. The serine at codon 7 is replaced by leucine, an amino acid with dissimilar properties. This variant was observed in 1/3251 individuals who met eligibility criteria for hereditary breast and ovarian cancer syndrome (Lerner-Ellis J et al. J Cancer Res Clin Oncol, 2021 Mar;147:871-879). This amino acid position is poorly conserved in available vertebrate species. In addition, the in silico prediction for this alteration is inconclusive. Based on the available evidence, the clinical significance of this variant remains unclear.

Color Diagnostics, LLC DBA Color Health
Classification: Uncertain significance for Hereditary cancer-predisposing syndrome. Last evaluated: 2025-09-04. Review status: criteria provided, single submitter. Criteria: ACMG Guidelines, 2015. Collection method: clinical testing. Allele origin: germline.
Comment: This missense variant replaces serine with leucine at codon 7 of the PMS2 protein. Computational prediction suggests that this variant may not impact protein structure and function. To our knowledge, functional studies have not been reported for this variant. This variant has not been reported in individuals affected with PMS2-related disorders in the literature. This variant has not been identified in the general population by the Genome Aggregation Database (gnomAD). The available evidence is insufficient to determine the role of this variant in disease conclusively. Therefore, this variant is classified as a Variant of Uncertain Significance.

Baylor Genetics
Classification: Uncertain significance for Lynch syndrome 4. Last evaluated: 2023-10-31. Review status: criteria provided, single submitter. Criteria: ACMG Guidelines, 2015. Collection method: clinical testing. Allele origin: unknown.

Quest Diagnostics Nichols Institute San Juan Capistrano
Classification: Uncertain significance. Last evaluated: 2020-02-21. Review status: criteria provided, single submitter. Criteria: Quest Diagnostics criteria. Collection method: clinical testing. Allele origin: unknown.

Women's Health and Genetics/Laboratory Corporation of America, LabCorp
Classification: Uncertain significance. Last evaluated: 2018-12-14. Review status: criteria provided, single submitter. Criteria: LabCorp Variant Classification Summary - May 2015. Collection method: clinical testing. Allele origin: germline.
Comment: Variant summary: PMS2 c.20C>T (p.Ser7Leu) results in a non-conservative amino acid change in the encoded protein sequence. Four of five in-silico tools predict a benign effect of the variant on protein function. The variant was absent in 245412 control chromosomes. The available data on variant occurrences in the general population are insufficient to allow any conclusion about variant significance. c.20C>T has been reported in the literature (Mei_2018). These report(s) do not provide unequivocal conclusions about association of the variant with Lynch Syndrome. To our knowledge, no experimental evidence demonstrating an impact on protein function has been reported. One clinical diagnostic laboratory has submitted clinical-significance assessments for this variant to ClinVar after 2014 without evidence for independent evaluation. One laboratory classified the variant as uncertain significance. Based on the evidence outlined above, the variant was classified as uncertain significance.

GeneDx
Classification: Uncertain significance. Last evaluated: 2013-12-24. Review status: criteria provided, single submitter. Criteria: GeneDx Variant Classification (06012015). Collection method: clinical testing. Allele origin: germline. Affected: yes.
Comment: This variant is denoted PMS2 c.20C>T at the cDNA level, p.Ser7Leu (S7L) at the protein level, and results in the change of a Serine to a Leucine (TCG>TTG). This variant has not, to our knowledge, been published in the literature as pathogenic or benign. PMS2 Ser7Leu was not observed in approximately 6,500 individuals of European and African American ancestry in the NHLBI Exome Sequencing Project, indicating it is not a common benign variant in these populations. This variant is a non-conservative substitution in which a neutral polar amino acid is replaced with a neutral non-polar one, altering a position that is highly variable throughout evolution and is not located in a known functional domain. In silico analyses are inconsistent with regard to the effect this variant may have on protein structure and function. Based on currently available information, it is unclear whether PMS2 Ser7Leu is pathogenic or benign. We consider it to be a variant of uncertain significance.

Department of Pathology and Laboratory Medicine, Sinai Health System
Classification: Uncertain significance for Malignant tumor of breast. Review status: no assertion criteria provided. Collection method: clinical testing. Allele origin: unknown. Affected: yes. Study: The Canadian Open Genetics Repository (COGR). Not counted in ClinVar's aggregate classification.
Comment: The PMS2 p.Ser7Leu variant was not identified in the literature. The variant was identified in dbSNP (ID: rs587780048) as "With Uncertain significance allele", ClinVar (classified as uncertain significance by GeneDx and Ambry Genetics). The variant was identified in control databases in 1 of 245412 chromosomes at a frequency of 0.000004 (Genome Aggregation Database Feb 27, 2017). The variant was observed in the South Asian population in 1 of 30780 chromosomes (freq: 0.00003), while the variant was not observed in the African, Ashkenazi Jewish, East Asian, Finnish, European, Latino, or Other populations. The p.Ser7 residue is not conserved in mammals and 4 of 5 computational analyses (PolyPhen-2, SIFT, AlignGVGD, BLOSUM, MutationTaster) do not suggest a high likelihood of impact to the protein; however, this information is not predictive enough to rule out pathogenicity. The variant occurs outside of the splicing consensus sequence and 1 of 4 in silico or computational prediction software programs (SpliceSiteFinder, MaxEntScan, NNSPLICE, GeneSplicer) predicts a greater than 10% difference in splicing. In summary, based on the above information, the clinical significance of this variant cannot be determined with certainty at this time. This variant is classified as a variant of uncertain significance.

Literature cited by the submitters: PubMed 32885271 (cited by Ambry Genetics); PubMed 29703253 (cited by Quest Diagnostics Nichols Institute San Juan Capistrano and Women's Health and Genetics/Laboratory Corporation of America, LabCorp).

NM_000535.7(PMS2):c.20C>T (p.Ser7Leu)

Gene: PMS2 (PMS1 homolog 2, mismatch repair system component; minus strand). Cytogenetic location: 7p22.1.
Variant type: single nucleotide variant.
Coding change: c.20C>T on transcript NM_000535.7 (MANE Select); coding-DNA position 20, C replaced by T.
Protein change: p.Ser7Leu; replaces serine 7 with leucine.
Molecular consequence: missense variant. On other transcripts: 5 prime UTR variant (11), non-coding transcript variant (1).
Genome position (GRCh38, 1-based): chr7:6,009,000, G>A on the plus strand (C>T on the coding strand, the complement: PMS2 is on the minus strand). VCF-style: chr7-6009000-G-A. GRCh37 (hg19) VCF-style: chr7-6048631-G-A.
Other names: p.S7L:TCG>TTG; c.-381C>T (NM_001322013.2, NM_001322003.2); c.20C>T, p.Ser7Leu (NM_001322014.2, NM_001322006.2); c.-460C>T (NM_001322015.2); c.-246C>T (NM_001322004.2, NM_001322010.2); c.-576C>T (NM_001322005.2); c.-196C>T (NM_001322007.2); c.-56C>T (NM_001322008.2); and 3 more; short protein forms S7L.
Identifiers: ClinVar variation 127772 (VCV000127772.22), dbSNP rs587780048, ClinGen allele CA010809.
Genomic context (GRCh38, chr7:6,009,000, plus strand): 5'-TGGGTCTCAAAGAGGGCGCGCGAGAGGGGACACCGGAAGACTGCGAGCCCCGCTCACCTC[G>A]AGCTCTCAGCTCGCTCCATGGATGCAACACCCGATCCGCCTCGGGGACTGGGAAAGTTCC-3'
Protein context (NP_000526.2, residues 1-17): MERAES[Ser7Leu]STEPAKAIKP